The following is an entry in ClinVar:

ClinVar aggregate classification (germline): Uncertain significance. Review status: criteria provided, multiple submitters, no conflicts (2 of 4 stars). 2 submissions from 2 submitters: Uncertain significance (2). Last evaluated 2024-07-29.

Allele frequency attached by ClinVar (database versions not stated): TOPMed 0.00003; ExAC 0.00004; gnomAD 0.00004; gnomAD exomes 0.00006; 1000 Genomes Project 30x 0.00016; 1000 Genomes Project 0.00020.

Submissions (2):

Labcorp Genetics (formerly Invitae), Labcorp
Classification: Uncertain significance. Last evaluated: 2024-07-29. Review status: criteria provided, single submitter. Criteria: Invitae Variant Classification Sherloc (09022015). Collection method: clinical testing. Allele origin: germline.
Comment: This sequence change replaces proline, which is neutral and non-polar, with serine, which is neutral and polar, at codon 298 of the TNFRSF6B protein (p.Pro298Ser). This variant is present in population databases (rs538091211, gnomAD 0.007%). This variant has not been reported in the literature in individuals affected with TNFRSF6B-related conditions. ClinVar contains an entry for this variant (Variation ID: 1940936). An algorithm developed to predict the effect of missense changes on protein structure and function (PolyPhen-2) suggests that this variant is likely to be tolerated. In summary, the available evidence is currently insufficient to determine the role of this variant in disease. Therefore, it has been classified as a Variant of Uncertain Significance.

Ambry Genetics
Classification: Uncertain significance. Last evaluated: 2023-04-13. Review status: criteria provided, single submitter. Criteria: Ambry Variant Classification Scheme 2023. Collection method: clinical testing. Allele origin: germline.

NM_003823.4(TNFRSF6B):c.892C>T (p.Pro298Ser)

Genes: RTEL1-TNFRSF6B (RTEL1-TNFRSF6B readthrough (NMD candidate); plus strand), TNFRSF6B (TNF receptor superfamily member 6b; plus strand). Cytogenetic location: 20q13.33.
Variant type: single nucleotide variant.
Coding change: c.892C>T on transcript NM_003823.4 (MANE Select); coding-DNA position 892, C replaced by T.
Protein change: p.Pro298Ser; replaces proline 298 with serine.
Molecular consequence: missense variant. On other transcripts: non-coding transcript variant (1).
Genome position (GRCh38, 1-based): chr20:63,698,552, C>T. VCF-style: chr20-63698552-C-T. GRCh37 (hg19) VCF-style: chr20-62329905-C-T.
Other names: short protein forms P298S.
Identifiers: ClinVar variation 1940936 (VCV001940936.7), dbSNP rs538091211, ClinGen allele CA9966664.
Genomic context (GRCh38, chr20:63,698,552, plus strand): 5'-CAGGCGCTGCGCGTGGCCAGGATGCCCGGGCTGGAGCGGAGCGTCCGTGAGCGCTTCCTC[C>T]CTGTGCACTGATCCTGGCCCCCTCTTATTTATTCTACATCCTTGGCACCCCACTTGCACT-3'
Protein context (NP_003814.1, residues 288-300): LERSVRERFL[Pro298Ser]VH